The following is an entry in ClinVar:

ClinVar aggregate classification (germline): Conflicting classifications of pathogenicity. Review status: criteria provided, conflicting classifications (1 of 4 stars). 4 submissions from 4 submitters: Uncertain significance (3); Likely benign (1). Last evaluated 2025-11-09.

Conditions:
Arrhythmogenic right ventricular dysplasia 8 (ARVD8). Also called: ARRHYTHMOGENIC RIGHT VENTRICULAR DYSPLASIA, FAMILIAL, 8; ARRHYTHMOGENIC RIGHT VENTRICULAR CARDIOMYOPATHY 8; Arrhythmogenic Right Ventricular Dysplasia/Cardiomyopathy 8. Identifiers: MedGen C1843896, MONDO:0011831, OMIM 607450.
Arrhythmogenic cardiomyopathy with wooly hair and keratoderma. Also called: Arrhythmogenic cardiomyopathy with woolly hair and keratoderma; Dilated cardiomyopathy with woolly hair and keratoderma; Carvajal syndrome; PALMOPLANTAR KERATODERMA WITH LEFT VENTRICULAR CARDIOMYOPATHY AND WOOLLY HAIR. Identifiers: Orphanet 65282, MedGen C1854063, MONDO:0011581, OMIM 605676.
Cardiovascular phenotype. Identifiers: MedGen CN230736.

Allele frequency attached by ClinVar (database versions not stated): gnomAD below 0.00001 and 0.00003; ExAC 0.00002; gnomAD exomes 0.00002.
gnomAD v4.1: 39 of 1,614,172 alleles (0.0024%); highest among the groups gnomAD compares: South Asian, 0.023%; 1 homozygote.

Submissions (4):

Labcorp Genetics (formerly Invitae), Labcorp
Classification: Likely benign for Arrhythmogenic cardiomyopathy with wooly hair and keratoderma; Arrhythmogenic right ventricular dysplasia 8. Last evaluated: 2025-11-09. Review status: criteria provided, single submitter. Criteria: Invitae Variant Classification Sherloc (09022015). Collection method: clinical testing. Allele origin: germline.

Genomic Medicine Center of Excellence, King Faisal Specialist Hospital and Research Centre
Classification: Uncertain significance for Arrhythmogenic cardiomyopathy with wooly hair and keratoderma. Last evaluated: 2025-09-10. Review status: criteria provided, single submitter. Criteria: ACMG Guidelines, 2015. Collection method: clinical testing. Allele origin: germline.

Ambry Genetics
Classification: Uncertain significance for Cardiovascular phenotype. Last evaluated: 2024-06-26. Review status: criteria provided, single submitter. Criteria: Ambry Variant Classification Scheme 2023. Collection method: clinical testing. Allele origin: germline.
Comment: The p.T796A variant (also known as c.2386A>G), located in coding exon 17 of the DSP gene, results from an A to G substitution at nucleotide position 2386. The threonine at codon 796 is replaced by alanine, an amino acid with similar properties. This amino acid position is conserved. In addition, the in silico prediction for this alteration is inconclusive. Based on the available evidence, the clinical significance of this variant remains unclear.

All of Us Research Program, National Institutes of Health
Classification: Uncertain significance for Arrhythmogenic cardiomyopathy with wooly hair and keratoderma. Last evaluated: 2023-04-28. Review status: criteria provided, single submitter. Criteria: ACMG Guidelines, 2015. Collection method: clinical testing. Allele origin: germline. Inheritance: Autosomal dominant inheritance. Observed: 2 variant alleles, 2 heterozygotes.
Comment: This missense variant replaces threonine with alanine at codon 796 of the DSP protein. Computational prediction suggests that this variant may not impact protein structure and function (internally defined REVEL score threshold <= 0.5, PMID: 27666373). To our knowledge, functional studies have not been reported for this variant. This variant has not been reported in individuals affected with DSP-related disorders in the literature. This variant has been identified in 4/251406 chromosomes in the general population by the Genome Aggregation Database (gnomAD). The available evidence is insufficient to determine the role of this variant in disease conclusively. Therefore, this variant is classified as a Variant of Uncertain Significance.

This study involves interpretation of variants in research participants for the purpose of population health screening. Participant phenotype was not available at the time of variant classification. Additional details can be found in publication PMID: 35346344, PMCID: PMC8962531

NM_004415.4(DSP):c.2386A>G (p.Thr796Ala)

Gene: DSP (desmoplakin; plus strand). Cytogenetic location: 6p24.3.
Variant type: single nucleotide variant.
Coding change: c.2386A>G on transcript NM_004415.4 (MANE Select); coding-DNA position 2386, A replaced by G.
Protein change: p.Thr796Ala; replaces threonine 796 with alanine.
Molecular consequence: missense variant.
Genome position (GRCh38, 1-based): chr6:7,574,745, A>G. VCF-style: chr6-7574745-A-G. GRCh37 (hg19) VCF-style: chr6-7574978-A-G.
Other names: c.2386A>G, p.Thr796Ala (NM_001008844.3, NM_001319034.2); c.2386A>G (NM_004415.2); short protein forms T796A.
Identifiers: ClinVar variation 1010227 (VCV001010227.12), dbSNP rs1554107526, ClinGen allele CA3628092.